The following is an entry in ClinVar:

NM_004544.4(NDUFA10):c.890+193A>G

Gene: NDUFA10 (NADH:ubiquinone oxidoreductase subunit A10; minus strand). Cytogenetic location: 2q37.3.
Variant type: single nucleotide variant.
Coding change: c.890+193A>G on transcript NM_004544.4 (MANE Select); 193 bases into the intron after coding-DNA position 890, A replaced by G.
Molecular consequence: intron variant.
Genome position (GRCh38, 1-based): chr2:240,005,017, T>C on the plus strand (A>G on the coding strand, the complement: NDUFA10 is on the minus strand). VCF-style: chr2-240005017-T-C. GRCh37 (hg19) VCF-style: chr2-240944434-T-C.
Other names: c.890+193A>G (NM_001322020.2, NM_001322019.2).
Identifiers: ClinVar variation 669886 (VCV000669886.1), dbSNP rs1030963, ClinGen allele CA11176368.

ClinVar aggregate classification (germline): Benign (1 of 4 stars; one submission).

Allele frequency attached by ClinVar (database versions not stated): 1000 Genomes Project 30x 0.09853; 1000 Genomes Project 0.10104; TOPMed 0.11349; gnomAD 0.11718 and 0.11809.
gnomAD v4.1: 18,069 of 152,200 alleles (12%); highest among the groups gnomAD compares: South Asian, 16%; 1,255 homozygotes.

Submission:

GeneDx
Classification: Benign. Last evaluated: 2018-06-14. Review status: criteria provided, single submitter. Criteria: GeneDx Variant Classification (06012015). Collection method: clinical testing. Allele origin: germline. Affected: yes.
Comment: This variant is considered likely benign or benign based on one or more of the following criteria: it is a conservative change, it occurs at a poorly conserved position in the protein, it is predicted to be benign by multiple in silico algorithms, and/or has population frequency not consistent with disease.